The following is an entry in ClinVar:

ClinVar aggregate classification (germline): Uncertain significance (1 of 4 stars; one submission).

Allele frequency attached by ClinVar (database versions not stated): gnomAD 0.00003 and 0.00004; TOPMed 0.00003; 1000 Genomes Project 30x 0.00016; 1000 Genomes Project 0.00020.
gnomAD v4.1: 71 of 1,613,902 alleles (0.0044%); highest among the groups gnomAD compares: East Asian, 0.013%; no homozygotes.

Submission:

Labcorp Genetics (formerly Invitae), Labcorp
Classification: Uncertain significance. Last evaluated: 2024-01-02. Review status: criteria provided, single submitter. Criteria: Invitae Variant Classification Sherloc (09022015). Collection method: clinical testing. Allele origin: germline.
Comment: This sequence change replaces threonine, which is neutral and polar, with methionine, which is neutral and non-polar, at codon 76 of the IMPG1 protein (p.Thr76Met). This variant is present in population databases (rs539911139, gnomAD 0.04%). This variant has not been reported in the literature in individuals affected with IMPG1-related conditions. ClinVar contains an entry for this variant (Variation ID: 1055541). An algorithm developed to predict the effect of missense changes on protein structure and function (PolyPhen-2) suggests that this variant is likely to be disruptive. In summary, the available evidence is currently insufficient to determine the role of this variant in disease. Therefore, it has been classified as a Variant of Uncertain Significance.

NM_001563.4(IMPG1):c.227C>T (p.Thr76Met)

Gene: IMPG1 (interphotoreceptor matrix proteoglycan 1; minus strand). Cytogenetic location: 6q14.1.
Variant type: single nucleotide variant.
Coding change: c.227C>T on transcript NM_001563.4 (MANE Select); coding-DNA position 227, C replaced by T.
Protein change: p.Thr76Met; replaces threonine 76 with methionine.
Molecular consequence: missense variant. On other transcripts: intron variant (1).
Genome position (GRCh38, 1-based): chr6:76,041,967, G>A on the plus strand (C>T on the coding strand, the complement: IMPG1 is on the minus strand). VCF-style: chr6-76041967-G-A. GRCh37 (hg19) VCF-style: chr6-76751684-G-A.
Other names: c.68-7180C>T (NM_001282368.2); short protein forms T76M.
Identifiers: ClinVar variation 1055541 (VCV001055541.9), dbSNP rs539911139, ClinGen allele CA3898609.